The following is an entry in ClinVar:

ClinVar aggregate classification (germline): Likely benign (1 of 4 stars; one submission).

Conditions:
TTN-related disorder. Also called: TTN-related disorders; TTN-related condition; TTN-related disease.

gnomAD v4.1: 6 of 1,580,390 alleles (0.00038%); highest among the groups gnomAD compares: South Asian, 0.0012%; no homozygotes.

Submission:

PreventionGenetics, part of Exact Sciences
Classification: Likely benign for TTN-related condition. Last evaluated: 2026-07-24. Review status: criteria provided, single submitter. Criteria: ACMG Guidelines, 2015. Collection method: clinical testing. Allele origin: germline.
Comment: This variant is classified as likely benign based on ACMG/AMP sequence variant interpretation guidelines (Richards et al. 2015 PMID: 25741868, with internal and published modifications).

NM_001267550.2(TTN):c.96905-3T>C

Genes: TTN-AS1 (TTN antisense RNA 1; plus strand), TTN (titin; minus strand), LOC126806421 (CDK7 strongly-dependent group 2 enhancer GRCh37_chr2:179407630-179408829; plus strand). Cytogenetic location: 2q31.2.
Variant type: single nucleotide variant.
Coding change: c.96905-3T>C on transcript NM_001267550.2 (MANE Select); 3 bases into the intron before coding-DNA position 96905, T replaced by C.
Molecular consequence: intron variant.
Genome position (GRCh38, 1-based): chr2:178,542,952, A>G on the plus strand (T>C on the coding strand, the complement: TTN is on the minus strand). VCF-style: chr2-178542952-A-G. GRCh37 (hg19) VCF-style: chr2-179407679-A-G.
Other names: c.69710-3T>C (NM_003319.4); c.70286-3T>C (NM_133437.4); c.70085-3T>C (NM_133432.3); c.89201-3T>C (NM_133378.4); c.91982-3T>C (NM_001256850.1).
Identifiers: ClinVar variation 4985116 (VCV004985116.1).